The following is an entry in ClinVar:

NM_001365902.3(NFIX):c.1154C>T (p.Thr385Met)

Gene: NFIX (nuclear factor I X; plus strand). Cytogenetic location: 19p13.13.
Variant type: single nucleotide variant.
Coding change: c.1154C>T on transcript NM_001365902.3 (MANE Select); coding-DNA position 1154, C replaced by T.
Protein change: p.Thr385Met; replaces threonine 385 with methionine.
Molecular consequence: missense variant.
Genome position (GRCh38, 1-based): chr19:13,081,755, C>T. VCF-style: chr19-13081755-C-T. GRCh37 (hg19) VCF-style: chr19-13192569-C-T.
Other names: c.1178C>T, p.Thr393Met (NM_001271043.2); c.1130C>T, p.Thr377Met (NM_001271044.3, NM_001378404.1); c.1031C>T, p.Thr344Met (NM_001365982.2); c.1013C>T, p.Thr338Met (NM_001365983.2); c.1151C>T, p.Thr384Met (NM_001365984.2, NM_001365985.2); c.1202C>T, p.Thr401Met (NM_001378405.1); c.1154C>T, p.Thr385Met (NM_002501.4); short protein forms T338M, T344M, T377M, T384M, T385M, T393M, T401M.
Identifiers: ClinVar variation 1299617 (VCV001299617.2), dbSNP rs1212531253, ClinGen allele CA404304162.

ClinVar aggregate classification (germline): Uncertain significance. Review status: criteria provided, multiple submitters, no conflicts (2 of 4 stars). 2 submissions from 2 submitters: Uncertain significance (2). Last evaluated 2025-06-22.

Conditions:
Malan overgrowth syndrome (MALNS). Also called: Sotos syndrome 2; MALAN SYNDROME; NFIX-Related Malan Syndrome. Identifiers: Orphanet 420179, MedGen C3553660, MONDO:0013885, OMIM 614753.
Marshall-Smith syndrome (MRSHSS). Identifiers: Orphanet 561, MedGen C0265211, MONDO:0011244, OMIM 602535.

Allele frequency attached by ClinVar (database versions not stated): gnomAD exomes below 0.00001.
gnomAD v4.1: 3 of 1,614,006 alleles (0.00019%); highest among the groups gnomAD compares: South Asian, 0.0011%; no homozygotes.

Submissions (2):

Labcorp Genetics (formerly Invitae), Labcorp
Classification: Uncertain significance for Malan overgrowth syndrome; Marshall-Smith syndrome. Last evaluated: 2025-06-22. Review status: criteria provided, single submitter. Criteria: Invitae Variant Classification Sherloc (09022015). Collection method: clinical testing. Allele origin: germline.
Comment: This sequence change replaces threonine, which is neutral and polar, with methionine, which is neutral and non-polar, at codon 393 of the NFIX protein (p.Thr393Met). The frequency data for this variant in the population databases is considered unreliable, as metrics indicate poor data quality at this position in the gnomAD database. This variant has not been reported in the literature in individuals affected with NFIX-related conditions. ClinVar contains an entry for this variant (Variation ID: 1299617). Experimental studies and prediction algorithms are not available or were not evaluated, and the functional significance of this variant is currently unknown. In summary, the available evidence is currently insufficient to determine the role of this variant in disease. Therefore, it has been classified as a Variant of Uncertain Significance.

Laboratory of Medical Genetics, National & Kapodistrian University of Athens
Classification: Uncertain significance for Malan overgrowth syndrome. Last evaluated: 2021-10-06. Review status: criteria provided, single submitter. Criteria: ACMG Guidelines, 2015. Collection method: clinical testing. Allele origin: unknown.
Comment: PM2, PP2, PP3